The following is an entry in ClinVar:

NM_004260.4(RECQL4):c.3056-5G>A

Gene: RECQL4 (RecQ like helicase 4; minus strand). Cytogenetic location: 8q24.3.
Variant type: single nucleotide variant.
Coding change: c.3056-5G>A on transcript NM_004260.4 (MANE Select); 5 bases into the intron before coding-DNA position 3056, G replaced by A.
Molecular consequence: intron variant.
Genome position (GRCh38, 1-based): chr8:144,512,329, C>T on the plus strand (G>A on the coding strand, the complement: RECQL4 is on the minus strand). VCF-style: chr8-144512329-C-T. GRCh37 (hg19) VCF-style: chr8-145737712-C-T.
Identifiers: ClinVar variation 459454 (VCV000459454.7), dbSNP rs774320251, ClinGen allele CA586165188.
Genomic context (GRCh38, chr8:144,512,329, plus strand): 5'-AAGGTGGAAGGCCAGCTCACTGAACTCCACAAGCACCCCTGTCCCACGCCGCACACCTGC[C>T]GGAAAGCATGTCAGATGCAGGCAGGCAGCGTCCAGGGCGGTGTGGGGTGGGGAGAGGCGC-3'

ClinVar aggregate classification (germline): Uncertain significance (1 of 4 stars; one submission).

Conditions:
Baller-Gerold syndrome (BGS). Also called: CRANIOSYNOSTOSIS WITH RADIAL DEFECTS. Identifiers: Orphanet 1225, MedGen C0265308, MONDO:0009039, OMIM 218600.

Allele frequency attached by ClinVar (database versions not stated): gnomAD 0.00001; TOPMed 0.00002.
gnomAD v4.1: 21 of 1,611,850 alleles (0.0013%); highest among the groups gnomAD compares: Admixed American, 0.005%; no homozygotes.

Submission:

Labcorp Genetics (formerly Invitae), Labcorp
Classification: Uncertain significance for Baller-Gerold syndrome. Last evaluated: 2025-11-25. Review status: criteria provided, single submitter. Criteria: Invitae Variant Classification Sherloc (09022015). Collection method: clinical testing. Allele origin: germline.
Comment: This sequence change falls in intron 17 of the RECQL4 gene. It does not directly change the encoded amino acid sequence of the RECQL4 protein. This variant is present in population databases (no rsID available, gnomAD 0.005%). This variant has not been reported in the literature in individuals affected with RECQL4-related conditions. ClinVar contains an entry for this variant (Variation ID: 459454). Algorithms developed to predict the effect of sequence changes on RNA splicing suggest that this variant may disrupt the consensus splice site. In summary, the available evidence is currently insufficient to determine the role of this variant in disease. Therefore, it has been classified as a Variant of Uncertain Significance.